The following is an entry in ClinVar:

NM_183050.4(BCKDHB):c.196+153C>A

Gene: BCKDHB (branched chain keto acid dehydrogenase E1 subunit beta; plus strand). Cytogenetic location: 6q14.1.
Variant type: single nucleotide variant.
Coding change: c.196+153C>A on transcript NM_183050.4 (MANE Select); 153 bases into the intron after coding-DNA position 196, C replaced by A.
Molecular consequence: intron variant.
Genome position (GRCh38, 1-based): chr6:80,107,042, C>A. VCF-style: chr6-80107042-C-A. GRCh37 (hg19) VCF-style: chr6-80816759-C-A.
Other names: c.-15+359C>A (NM_001318975.1); c.196+153C>A (NM_001424037.1, NM_001424036.1, NM_001424035.1 and 8 more transcripts); c.-15+199C>A (NM_001424043.1).
Identifiers: ClinVar variation 4813928 (VCV004813928.1).

ClinVar aggregate classification (germline): Likely benign (1 of 4 stars; one submission).

gnomAD v4.1: 1,779 of 152,070 alleles (1.2%); highest among the groups gnomAD compares: African/African-American, 4.1%; 31 homozygotes.

Submission:

GeneDx
Classification: Likely benign. Last evaluated: 2018-12-20. Review status: criteria provided, single submitter. Criteria: GeneDx Variant Classification Process June 2021. Collection method: clinical testing. Allele origin: germline. Affected: yes.
Comment: See Variant Classification Assertion Criteria.